The following is an entry in ClinVar:

ClinVar aggregate classification (germline): Pathogenic. Review status: criteria provided, multiple submitters, no conflicts (2 of 4 stars). 3 submissions from 3 submitters: Pathogenic (3). Last evaluated 2025-07-08.

Conditions:
FECH-related disorder. Also called: FECH-related condition.
Protoporphyria, erythropoietic, 1 (EPP1). Also called: FERROCHELATASE DEFICIENCY; HEME SYNTHETASE DEFICIENCY; Erythropoietic Protoporphyria, Autosomal Recessive. Identifiers: Orphanet 79278, MedGen C4692546, MONDO:0008319, OMIM 177000.

Submissions (3):

Labcorp Genetics (formerly Invitae), Labcorp
Classification: Pathogenic. Last evaluated: 2025-07-08. Review status: criteria provided, single submitter. Criteria: Invitae Variant Classification Sherloc (09022015). Collection method: clinical testing. Allele origin: germline.
Comment: This sequence change creates a premature translational stop signal (p.Trp301Alafs*23) in the FECH gene. It is expected to result in an absent or disrupted protein product. Loss-of-function variants in FECH are known to be pathogenic (PMID: 20105171, 23016163, 23364466). This variant is not present in population databases (gnomAD no frequency). This premature translational stop signal has been observed in individual(s) with erythropoietic protoporphyria (PMID: 8005600, 23364466). For these reasons, this variant has been classified as Pathogenic.

PreventionGenetics, part of Exact Sciences
Classification: Pathogenic for FECH-related condition. Last evaluated: 2025-01-24. Review status: criteria provided, single submitter. Criteria: ACMG Guidelines, 2015. Collection method: clinical testing. Allele origin: germline.
Comment: The FECH c.901_902delTG variant is predicted to result in a frameshift and premature protein termination (p.Trp301Alafs*23). This variant has previously been reported to be causative for erythropoietic protoporphyria (Ventura P et al 2020. PubMed ID: 33021473; Balwani M et al 2013. PubMed ID: 23364466). This variant has not been reported in a large population database, indicating this variant is rare. Frameshift variants in FECH are expected to be pathogenic. This variant is interpreted as pathogenic.

Dr. med. U. Finckh, Human Genetics, Eurofins MVZ
Classification: Pathogenic for Protoporphyria, erythropoietic, 1. Last evaluated: 2023-01-01. Review status: criteria provided, single submitter. Criteria: ACMG Guidelines, 2015. Collection method: clinical testing. Allele origin: paternal. Affected: yes.
Comment: Detected in trans with the low expression allele "c.333-48T>C" (ClinVar ID 562) in two affected individuals of the same family. Unaffected parents were heterozygous carriers.

Literature cited by the submitters: PubMed 20105171 (cited by Labcorp Genetics (formerly Invitae), Labcorp); PubMed 23016163 (cited by Labcorp Genetics (formerly Invitae), Labcorp); PubMed 23364466 (cited by Labcorp Genetics (formerly Invitae), Labcorp); PubMed 8005600 (cited by Labcorp Genetics (formerly Invitae), Labcorp).

NM_000140.5(FECH):c.901_902del (p.Trp301fs)

Gene: FECH (ferrochelatase; minus strand). Cytogenetic location: 18q21.31.
Variant type: Microsatellite.
Coding change: c.901_902del on transcript NM_000140.5 (MANE Select); coding-DNA positions 901 to 902, 2 bases deleted (TG; older notation c.901_902delTG).
Protein change: p.Trp301fs; shifts the reading frame from tryptophan 301.
Molecular consequence: frameshift variant.
Genome position (GRCh38, 1-based): chr18:57,554,855-57,554,856, CA deleted on the plus strand (TG on the coding strand, the reverse complement: FECH is on the minus strand); deleting any 2 consecutive bases within chr18:57,554,855-57,554,859 gives the same sequence; the c. name uses the placement nearest the transcript's 3' end. VCF-style (leftmost placement, unchanged base first): chr18-57554854-CCA-C. GRCh37 (hg19) VCF-style: chr18-55222086-CCA-C.
Other names: c.919_920del (NM_001012515.2); c.919_920del, p.Trp307fs (NM_001012515.4); c.802_803del, p.Trp268fs (NM_001371094.1); c.685_686del, p.Trp229fs (NM_001371095.1); c.901_902del, p.Trp301fs (NM_001374778.1); c.901_902delTG (NM_000140.3); short protein forms W229fs, W268fs, W301fs, W307fs.
Identifiers: ClinVar variation 1069596 (VCV001069596.9), dbSNP rs1430926156, ClinGen allele CA780821368.